The following is an entry in ClinVar:

NM_001375524.1(TRRAP):c.6684C>T (p.Ser2228=)

Gene: TRRAP (transformation/transcription domain associated protein; plus strand). Cytogenetic location: 7q22.1.
Variant type: single nucleotide variant.
Coding change: c.6684C>T on transcript NM_001375524.1 (MANE Select); coding-DNA position 6684, C replaced by T.
Protein change: p.Ser2228=; no amino-acid change (serine 2228 retained).
Molecular consequence: synonymous variant.
Genome position (GRCh38, 1-based): chr7:98,961,455, C>T. VCF-style: chr7-98961455-C-T. GRCh37 (hg19) VCF-style: chr7-98559078-C-T.
Other names: c.6663C>T, p.Ser2221= (NM_001244580.2); c.6609C>T, p.Ser2203= (NM_003496.4).
Identifiers: ClinVar variation 3040097 (VCV003040097.2), dbSNP rs1271139212, ClinGen allele CA456661998.
Genomic context (GRCh38, chr7:98,961,455, plus strand): 5'-GACATGTGGAAACACCAAGGTGTTGCGAGCCGTCCACAGCCTTCTCTCGCGCCTGATGAG[C>T]ATTTTCCCAACAGAGCCGAGTATGTGACCTTTCCCACCGGTGCTTTTCTTTCAAAGTGGA-3'
Protein context (NP_001362453.1, residues 2218-2238): AVHSLLSRLM[Ser2228=]IFPTEPSTSS

ClinVar aggregate classification (germline): Likely benign (0 of 4 stars; one submission).

Conditions:
TRRAP-related disorder. Also called: TRRAP-related condition.

Allele frequency attached by ClinVar (database versions not stated): gnomAD exomes below 0.00001; TOPMed below 0.00001; gnomAD 0.00001.
gnomAD v4.1: 3 of 1,614,086 alleles (0.00019%); highest among the groups gnomAD compares: Non-Finnish European, 0.00025%; no homozygotes.

Submission:

PreventionGenetics, part of Exact Sciences
Classification: Likely benign for TRRAP-related condition. Last evaluated: 2019-09-10. Review status: no assertion criteria provided. Collection method: clinical testing. Allele origin: germline.
Comment: This variant is classified as likely benign based on ACMG/AMP sequence variant interpretation guidelines (Richards et al. 2015 PMID: 25741868, with internal and published modifications).